The following is an entry in ClinVar:

ClinVar aggregate classification (germline): Benign/Likely benign. Review status: criteria provided, multiple submitters, no conflicts (2 of 4 stars). 2 submissions from 2 submitters: Benign (1); Likely benign (1). Last evaluated 2026-07-08.

Conditions:
SLC2A9-related disorder. Also called: SLC2A9-related condition.

Allele frequency attached by ClinVar (database versions not stated): 1000 Genomes Project 30x 0.00016; 1000 Genomes Project 0.00020; ExAC 0.00027; gnomAD 0.00069; ESP Exome Variant Server 0.00070; TOPMed 0.00070.
gnomAD v4.1: 166 of 1,551,238 alleles (0.011%); highest among the groups gnomAD compares: African/African-American, 0.2%; no homozygotes.

Submissions (2):

PreventionGenetics, part of Exact Sciences
Classification: Likely benign for SLC2A9-related condition. Last evaluated: 2026-07-08. Review status: criteria provided, single submitter. Criteria: ACMG Guidelines, 2015. Collection method: clinical testing. Allele origin: germline.
Comment: This variant is classified as likely benign based on ACMG/AMP sequence variant interpretation guidelines (Richards et al. 2015 PMID: 25741868, with internal and published modifications).

Labcorp Genetics (formerly Invitae), Labcorp
Classification: Benign. Last evaluated: 2025-06-12. Review status: criteria provided, single submitter. Criteria: Invitae Variant Classification Sherloc (09022015). Collection method: clinical testing. Allele origin: germline.

NM_020041.3(SLC2A9):c.162C>T (p.Cys54=)

Genes: SLC2A9-AS3 (SLC2A9 antisense RNA 3; plus strand), SLC2A9 (solute carrier family 2 member 9; minus strand). Cytogenetic location: 4p16.1.
Variant type: single nucleotide variant.
Coding change: c.162C>T on transcript NM_020041.3 (MANE Select); coding-DNA position 162, C replaced by T.
Protein change: p.Cys54=; no amino-acid change (cysteine 54 retained).
Molecular consequence: synonymous variant.
Genome position (GRCh38, 1-based): chr4:10,019,062, G>A on the plus strand (C>T on the coding strand, the complement: SLC2A9 is on the minus strand). VCF-style: chr4-10019062-G-A. GRCh37 (hg19) VCF-style: chr4-10020686-G-A.
Other names: c.162C>T (NM_020041.2); c.75C>T, p.Cys25= (NM_001001290.2).
Identifiers: ClinVar variation 2179011 (VCV002179011.5), dbSNP rs377432716, ClinGen allele CA2857323.
Genomic context (GRCh38, chr4:10,019,062, plus strand): 5'-GTTGTAGCCGTAGAGGAAGGAGGAGCCGAAGGCGCCCGCGAGGGAGGCCACGAGGAGCGA[G>A]CAGGACCAGTCCTGAGGGGAGAGGAAACCACGTCAGAGCCGGCACCGGGCGCGCAGCCAG-3'
Protein context (NP_064425.2, residues 44-64): PGGRRRKDWS[Cys54=]SLLVASLAGA